The following is an entry in ClinVar:

ClinVar aggregate classification (germline): Uncertain significance. Review status: criteria provided, multiple submitters, no conflicts (2 of 4 stars). 3 submissions from 3 submitters: Uncertain significance (3). Last evaluated 2025-10-22.

Conditions:
Congenital muscular dystrophy due to integrin alpha-7 deficiency. Also called: MYOPATHY, CONGENITAL, DUE TO INTEGRIN ALPHA-7 DEFICIENCY; Congenital muscular dystrophy with integrin alpha-7 deficiency; Muscular dystrophy, congenital, due to ITGA7 deficiency. Identifiers: Orphanet 34520, MedGen C2750786, MONDO:0013177, OMIM 613204.

Allele frequency attached by ClinVar (database versions not stated): ExAC 0.00006; gnomAD exomes 0.00006 and 0.00010; gnomAD 0.00009; TOPMed 0.00012; 1000 Genomes Project 30x 0.00016; 1000 Genomes Project 0.00040.
gnomAD v4.1: 156 of 1,600,808 alleles (0.0097%); highest among the groups gnomAD compares: South Asian, 0.012%; 1 homozygote.

Submissions (3):

Ambry Genetics
Classification: Uncertain significance. Last evaluated: 2025-10-22. Review status: criteria provided, single submitter. Criteria: Ambry Variant Classification Scheme 2023. Collection method: clinical testing. Allele origin: germline.

Revvity Omics, Revvity
Classification: Uncertain significance for Congenital muscular dystrophy due to integrin alpha-7 deficiency. Last evaluated: 2022-09-22. Review status: criteria provided, single submitter. Criteria: ACMG Guidelines, 2015. Collection method: clinical testing. Allele origin: germline.

Labcorp Genetics (formerly Invitae), Labcorp
Classification: Uncertain significance for Congenital muscular dystrophy due to integrin alpha-7 deficiency. Last evaluated: 2022-04-08. Review status: criteria provided, single submitter. Criteria: Invitae Variant Classification Sherloc (09022015). Collection method: clinical testing. Allele origin: germline.
Comment: This sequence change replaces aspartic acid, which is acidic and polar, with asparagine, which is neutral and polar, at codon 1129 of the ITGA7 protein (p.Asp1129Asn). This variant is present in population databases (rs572158420, gnomAD 0.02%). This variant has not been reported in the literature in individuals affected with ITGA7-related conditions. ClinVar contains an entry for this variant (Variation ID: 1037648). Algorithms developed to predict the effect of missense changes on protein structure and function output the following: SIFT: "Tolerated"; PolyPhen-2: "Benign"; Align-GVGD: "Class C0". The asparagine amino acid residue is found in multiple mammalian species, which suggests that this missense change does not adversely affect protein function. In summary, the available evidence is currently insufficient to determine the role of this variant in disease. Therefore, it has been classified as a Variant of Uncertain Significance.

NM_002206.3(ITGA7):c.3385G>A (p.Asp1129Asn)

Gene: ITGA7 (integrin subunit alpha 7; minus strand). Cytogenetic location: 12q13.2.
Variant type: single nucleotide variant.
Coding change: c.3385G>A on transcript NM_002206.3 (MANE Select); coding-DNA position 3385, G replaced by A.
Protein change: p.Asp1129Asn; replaces aspartic acid 1129 with asparagine.
Molecular consequence: missense variant.
Genome position (GRCh38, 1-based): chr12:55,685,087, C>T on the plus strand (G>A on the coding strand, the complement: ITGA7 is on the minus strand). VCF-style: chr12-55685087-C-T. GRCh37 (hg19) VCF-style: chr12-56078871-C-T.
Other names: c.3385G>A (NM_002206.2); c.3397G>A, p.Asp1133Asn (NM_001144996.2); c.3106G>A, p.Asp1036Asn (NM_001144997.2); c.3058G>A, p.Asp1020Asn (NM_001367993.1); c.2041G>A, p.Asp681Asn (NM_001367994.1); c.3367G>A, p.Asp1123Asn (NM_001374465.1); c.3517G>A, p.Asp1173Asn (NM_001410977.1); c.3379G>A, p.Asp1127Asn (NM_001414029.1); and 6 more; short protein forms D1123N, D1133N, D1036N, D1020N, D1129N, D681N, D1173N, D1127N.
Identifiers: ClinVar variation 1037648 (VCV001037648.9), dbSNP rs572158420, ClinGen allele CA6615230.
Genomic context (GRCh38, chr12:55,685,087, plus strand): 5'-GCAGCCACAGGCCAGGCTGGGACATGGGAACCTAGGCGGTGCCTGGCCCTGGATGCCCAT[C>T]GGGGCCCAGCTCGGGATGCCCGTCAGCAGCCAGGATGGGGTGTGCATCCGGGCCCTCCCG-3'
Protein context (NP_002197.2, residues 1119-1137): AADGHPELGP[Asp1129Asn]GHPGPGTA